The following is an entry in ClinVar:

NM_021927.3(GUF1):c.411T>A (p.Asn137Lys)

Gene: GUF1 (GTP binding elongation factor GUF1; plus strand). Cytogenetic location: 4p12.
Variant type: single nucleotide variant.
Coding change: c.411T>A on transcript NM_021927.3 (MANE Select); coding-DNA position 411, T replaced by A.
Protein change: p.Asn137Lys; replaces asparagine 137 with lysine.
Molecular consequence: missense variant. On other transcripts: 5 prime UTR variant (2).
Genome position (GRCh38, 1-based): chr4:44,680,827, T>A. VCF-style: chr4-44680827-T-A. GRCh37 (hg19) VCF-style: chr4-44682844-T-A.
Other names: c.-558T>A (NM_001345867.2); c.411T>A, p.Asn137Lys (NM_001345868.2); c.-562T>A (NM_001345869.2); short protein forms N137K.
Identifiers: ClinVar variation 1360639 (VCV001360639.8), dbSNP rs192723632, ClinGen allele CA2905275.

ClinVar aggregate classification (germline): Uncertain significance (1 of 4 stars; one submission).

Allele frequency attached by ClinVar (database versions not stated): gnomAD exomes below 0.00001 and 0.00002; gnomAD 0.00001; TOPMed 0.00001; ExAC 0.00002; 1000 Genomes Project 30x 0.00016; 1000 Genomes Project 0.00020.
gnomAD v4.1: 5 of 1,608,984 alleles (0.00031%); highest among the groups gnomAD compares: East Asian, 0.011%; no homozygotes.

Submission:

Labcorp Genetics (formerly Invitae), Labcorp
Classification: Uncertain significance. Last evaluated: 2025-01-22. Review status: criteria provided, single submitter. Criteria: Invitae Variant Classification Sherloc (09022015). Collection method: clinical testing. Allele origin: germline.
Comment: This sequence change replaces asparagine, which is neutral and polar, with lysine, which is basic and polar, at codon 137 of the GUF1 protein (p.Asn137Lys). This variant is present in population databases (rs192723632, gnomAD 0.03%). This variant has not been reported in the literature in individuals affected with GUF1-related conditions. ClinVar contains an entry for this variant (Variation ID: 1360639). Invitae Evidence Modeling of protein sequence and biophysical properties (such as structural, functional, and spatial information, amino acid conservation, physicochemical variation, residue mobility, and thermodynamic stability) indicates that this missense variant is expected to disrupt GUF1 protein function with a positive predictive value of 80%. In summary, the available evidence is currently insufficient to determine the role of this variant in disease. Therefore, it has been classified as a Variant of Uncertain Significance.